The following is an entry in ClinVar:

ClinVar aggregate classification (germline): Benign/Likely benign. Review status: criteria provided, multiple submitters, no conflicts (2 of 4 stars). 2 submissions from 2 submitters: Benign (1); Likely benign (1). Last evaluated 2025-11-27.

Conditions:
Familial cancer of breast. Also called: hereditary breast carcinoma; Hereditary breast cancer; BREAST CANCER, FAMILIAL. Identifiers: Orphanet 227535, MedGen C0346153, MONDO:0016419, OMIM 114480. Disease mechanism: loss of function.

gnomAD v4.1: 2 of 1,613,948 alleles (0.00012%); highest among the groups gnomAD compares: Admixed American, 0.0017%; no homozygotes.

Submissions (2):

Labcorp Genetics (formerly Invitae), Labcorp
Classification: Likely benign for Familial cancer of breast. Last evaluated: 2025-11-27. Review status: criteria provided, single submitter. Criteria: Invitae Variant Classification Sherloc (09022015). Collection method: clinical testing. Allele origin: germline.

Myriad Genetics, Inc.
Classification: Benign for Familial cancer of breast. Last evaluated: 2024-07-23. Review status: criteria provided, single submitter. Criteria: Myriad Autosomal Dominant, Autosomal Recessive and X-Linked Classification Criteria (2023). Collection method: clinical testing. Allele origin: unknown.
Comment: This variant is considered benign. This variant is a silent/synonymous amino acid change and it is not expected to impact splicing.

NM_000465.4(BARD1):c.939T>G (p.Ser313=)

Gene: BARD1 (BRCA1 associated RING domain 1; minus strand). Cytogenetic location: 2q35.
Variant type: single nucleotide variant.
Coding change: c.939T>G on transcript NM_000465.4 (MANE Select); coding-DNA position 939, T replaced by G.
Protein change: p.Ser313=; no amino-acid change (serine 313 retained).
Molecular consequence: synonymous variant. On other transcripts: non-coding transcript variant (2), intron variant (3).
Genome position (GRCh38, 1-based): chr2:214,780,935, A>C on the plus strand (T>G on the coding strand, the complement: BARD1 is on the minus strand). VCF-style: chr2-214780935-A-C. GRCh37 (hg19) VCF-style: chr2-215645659-A-C.
Other names: c.882T>G, p.Ser294= (NM_001282543.2); c.159-28380T>G (NM_001282548.2); c.215+16126T>G (NM_001282545.2); c.364+11362T>G (NM_001282549.2).
Identifiers: ClinVar variation 3378745 (VCV003378745.2).